The following is an entry in ClinVar:

ClinVar aggregate classification (germline): Uncertain significance (1 of 4 stars; one submission).

gnomAD v4.1: 6 of 1,548,564 alleles (0.00039%); highest among the groups gnomAD compares: Middle Eastern, 0.018%; no homozygotes.

Submission:

Labcorp Genetics (formerly Invitae), Labcorp
Classification: Uncertain significance. Last evaluated: 2025-11-26. Review status: criteria provided, single submitter. Criteria: Invitae Variant Classification Sherloc (09022015). Collection method: clinical testing. Allele origin: germline.
Comment: This sequence change replaces arginine, which is basic and polar, with glutamine, which is neutral and polar, at codon 10 of the PCK2 protein (p.Arg10Gln). This variant also falls at the last nucleotide of exon 1, which is part of the consensus splice site for this exon. The frequency data for this variant in the population databases is considered unreliable, as metrics indicate poor data quality at this position in the gnomAD database. This variant has not been reported in the literature in individuals affected with PCK2-related conditions. An algorithm developed to predict the effect of missense changes on protein structure and function (PolyPhen-2) suggests that this variant is likely to be disruptive. Variants that disrupt the consensus splice site are a relatively common cause of aberrant splicing (PMID: 17576681, 9536098). Algorithms developed to predict the effect of sequence changes on RNA splicing suggest that this variant may disrupt the consensus splice site. In summary, the available evidence is currently insufficient to determine the role of this variant in disease. Therefore, it has been classified as a Variant of Uncertain Significance.

Literature cited by the submitters: PubMed 17576681; PubMed 9536098.

NM_004563.4(PCK2):c.29G>A (p.Arg10Gln)

Genes: NRL (neural retina leucine zipper; minus strand), PCK2 (phosphoenolpyruvate carboxykinase 2, mitochondrial; plus strand). Cytogenetic location: 14q11.2.
Variant type: single nucleotide variant.
Coding change: c.29G>A on transcript NM_004563.4 (MANE Select); coding-DNA position 29, G replaced by A.
Protein change: p.Arg10Gln; replaces arginine 10 with glutamine.
Molecular consequence: missense variant. On other transcripts: 5 prime UTR variant (2), intron variant (4).
Genome position (GRCh38, 1-based): chr14:24,094,434, G>A. VCF-style: chr14-24094434-G-A. GRCh37 (hg19) VCF-style: chr14-24563643-G-A.
Other names: c.29G>A, p.Arg10Gln (NM_001018073.3); c.-208G>A (NM_001291556.2); c.-785G>A (NM_001308054.2); c.-27-11559C>T (NM_001354768.3, NM_001354770.2); c.-352+604C>T (NM_001354769.1); c.-253-9689C>T (NM_006177.5); short protein forms R10Q.
Identifiers: ClinVar variation 4742669 (VCV004742669.1).